The following is an entry in ClinVar:

NM_016148.5(SHANK1):c.3870G>A (p.Glu1290=)

Gene: SHANK1 (SH3 and multiple ankyrin repeat domains 1; minus strand). Cytogenetic location: 19q13.33.
Variant type: single nucleotide variant.
Coding change: c.3870G>A on transcript NM_016148.5 (MANE Select); coding-DNA position 3870, G replaced by A.
Protein change: p.Glu1290=; no amino-acid change (glutamic acid 1290 retained).
Molecular consequence: synonymous variant.
Genome position (GRCh38, 1-based): chr19:50,668,090, C>T on the plus strand (G>A on the coding strand, the complement: SHANK1 is on the minus strand). VCF-style: chr19-50668090-C-T. GRCh37 (hg19) VCF-style: chr19-51171347-C-T.
Identifiers: ClinVar variation 3043529 (VCV003043529.2), dbSNP rs947873017, ClinGen allele CA309627128.
Genomic context (GRCh38, chr19:50,668,090, plus strand): 5'-GTAGCCCGCGCCGCTGCCCGCAGACTCCAGTCGGAGGTAGGGCTCGGCGGAGAACATGCC[C>T]TCGTCGATGGATTTGGAGTGGCGCAGCCGCGGGCCCGGGGCCGCCCCTGTGCCCAGCCCG-3'
Protein context (NP_057232.2, residues 1280-1300): PRLRHSKSID[Glu1290=]GMFSAEPYLR

ClinVar aggregate classification (germline): Likely benign (0 of 4 stars; one submission).

Conditions:
SHANK1-related disorder. Also called: SHANK1-related condition.

gnomAD v4.1: 89 of 1,481,176 alleles (0.006%); highest among the groups gnomAD compares: Non-Finnish European, 0.0078%; no homozygotes.

Submission:

PreventionGenetics, part of Exact Sciences
Classification: Likely benign for SHANK1-related condition. Last evaluated: 2019-06-24. Review status: no assertion criteria provided. Collection method: clinical testing. Allele origin: germline.
Comment: This variant is classified as likely benign based on ACMG/AMP sequence variant interpretation guidelines (Richards et al. 2015 PMID: 25741868, with internal and published modifications).